The following is an entry in ClinVar:

ClinVar aggregate classification (germline): Uncertain significance (1 of 4 stars; one submission).

Allele frequency attached by ClinVar (database versions not stated): gnomAD 0.00001.
gnomAD v4.1: 8 of 1,614,072 alleles (0.0005%); highest among the groups gnomAD compares: Middle Eastern, 0.016%; no homozygotes.

Submission:

GeneDx
Classification: Uncertain significance. Last evaluated: 2019-11-11. Review status: criteria provided, single submitter. Criteria: GeneDx Variant Classification Process June 2021. Collection method: clinical testing. Allele origin: germline. Affected: yes.
Comment: Not observed at a significant frequency in large population cohorts (Lek et al., 2016); In silico analysis, which includes protein predictors and evolutionary conservation, supports that this variant does not alter protein structure/function; Has not been previously published as pathogenic or benign to our knowledge

NM_015340.4(LARS2):c.863A>T (p.His288Leu)

Gene: LARS2 (leucyl-tRNA synthetase 2, mitochondrial; plus strand). Cytogenetic location: 3p21.31.
Variant type: single nucleotide variant.
Coding change: c.863A>T on transcript NM_015340.4 (MANE Select); coding-DNA position 863, A replaced by T.
Protein change: p.His288Leu; replaces histidine 288 with leucine.
Molecular consequence: missense variant.
Genome position (GRCh38, 1-based): chr3:45,476,472, A>T. VCF-style: chr3-45476472-A-T. GRCh37 (hg19) VCF-style: chr3-45517964-A-T.
Other names: c.863A>T, p.His288Leu (NM_001368263.1); short protein forms H288L.
Identifiers: ClinVar variation 1310161 (VCV001310161.2), dbSNP rs751784781, ClinGen allele CA2349438.